The following is an entry in ClinVar:

ClinVar aggregate classification (germline): Uncertain significance. Review status: criteria provided, multiple submitters, no conflicts (2 of 4 stars). 2 submissions from 2 submitters: Uncertain significance (2). Last evaluated 2024-03-06.

Conditions:
Arrhythmogenic right ventricular dysplasia 10. Also called: Arrhythmogenic Right Ventricular Dysplasia/Cardiomyopathy10; Arrhythmogenic right ventricular dysplasia/cardiomyopathy, type 10; ARRHYTHMOGENIC RIGHT VENTRICULAR DYSPLASIA, FAMILIAL, 10. Identifiers: MedGen C1857777, MONDO:0012434, OMIM 610193.
Cardiomyopathy (CMYO). Also called: Cardiomyopathies. Identifiers: Orphanet 167848, MedGen C0878544, MONDO:0004994, HP:0001638. Inheritance: Various modes of inheritance.

Submissions (2):

Color Diagnostics, LLC DBA Color Health
Classification: Uncertain significance for Cardiomyopathy. Last evaluated: 2024-03-06. Review status: criteria provided, single submitter. Criteria: ACMG Guidelines, 2015. Collection method: clinical testing. Allele origin: germline.
Comment: This missense variant replaces lysine with glutamic acid at codon 793 of the DSG2 protein. Computational prediction suggests that this variant may not impact protein structure and function (internally defined REVEL score threshold <= 0.5, PMID: 27666373). To our knowledge, functional studies have not been reported for this variant. This variant has not been reported in individuals affected with cardiovascular disorders in the literature. This variant has not been identified in the general population by the Genome Aggregation Database (gnomAD). The available evidence is insufficient to determine the role of this variant in disease conclusively. Therefore, this variant is classified as a Variant of Uncertain Significance.

Labcorp Genetics (formerly Invitae), Labcorp
Classification: Uncertain significance for Arrhythmogenic right ventricular dysplasia 10. Last evaluated: 2022-03-09. Review status: criteria provided, single submitter. Criteria: Invitae Variant Classification Sherloc (09022015). Collection method: clinical testing. Allele origin: germline.
Comment: Algorithms developed to predict the effect of missense changes on protein structure and function are either unavailable or do not agree on the potential impact of this missense change (SIFT: "Tolerated"; PolyPhen-2: "Possibly Damaging"; Align-GVGD: "Class C0"). In summary, the available evidence is currently insufficient to determine the role of this variant in disease. Therefore, it has been classified as a Variant of Uncertain Significance. ClinVar contains an entry for this variant (Variation ID: 955124). This variant has not been reported in the literature in individuals affected with DSG2-related conditions. This variant is not present in population databases (gnomAD no frequency). This sequence change replaces lysine, which is basic and polar, with glutamic acid, which is acidic and polar, at codon 793 of the DSG2 protein (p.Lys793Glu).

NM_001943.5(DSG2):c.2377A>G (p.Lys793Glu)

Genes: DSG2 (desmoglein 2; plus strand), DSG2-AS1 (DSG2 antisense RNA 1; minus strand). Cytogenetic location: 18q12.1.
Variant type: single nucleotide variant.
Coding change: c.2377A>G on transcript NM_001943.5 (MANE Select); coding-DNA position 2377, A replaced by G.
Protein change: p.Lys793Glu; replaces lysine 793 with glutamic acid.
Molecular consequence: missense variant. On other transcripts: non-coding transcript variant (1).
Genome position (GRCh38, 1-based): chr18:31,545,763, A>G. VCF-style: chr18-31545763-A-G. GRCh37 (hg19) VCF-style: chr18-29125726-A-G.
Other names: short protein forms K793E.
Identifiers: ClinVar variation 955124 (VCV000955124.11), dbSNP rs2073300770, ClinGen allele CA402144459.